The following is an entry in ClinVar:

NM_000051.4(ATM):c.7994C>A (p.Pro2665His)

Genes: ATM (ATM serine/threonine kinase; plus strand), C11orf65 (chromosome 11 open reading frame 65; minus strand). Cytogenetic location: 11q22.3.
Variant type: single nucleotide variant.
Coding change: c.7994C>A on transcript NM_000051.4 (MANE Select); coding-DNA position 7994, C replaced by A.
Protein change: p.Pro2665His; replaces proline 2665 with histidine.
Molecular consequence: missense variant. On other transcripts: intron variant (2).
Genome position (GRCh38, 1-based): chr11:108,333,952, C>A. VCF-style: chr11-108333952-C-A. GRCh37 (hg19) VCF-style: chr11-108204679-C-A.
Other names: c.7994C>A, p.Pro2665His (NM_001351834.2); c.641-24881G>T (NM_001330368.2); c.*38+1268G>T (NM_001351110.2); short protein forms P2665H.
Identifiers: ClinVar variation 654720 (VCV000654720.9), dbSNP rs1591184690, ClinGen allele CA382561785.

ClinVar aggregate classification (germline): Uncertain significance (1 of 4 stars; one submission).

Conditions:
Ataxia-telangiectasia syndrome (AT). Also called: Ataxia-telangiectasia, complementation group D; AT, COMPLEMENTATION GROUP C; ATAXIA-TELANGIECTASIA, COMPLEMENTATION GROUP A; ATAXIA-TELANGIECTASIA, FRESNO VARIANT; Ataxia-telangiectasia; LOUIS-BAR SYNDROME. Identifiers: Orphanet 100, MedGen C0004135, MONDO:0008840, OMIM 208900.

Submission:

Labcorp Genetics (formerly Invitae), Labcorp
Classification: Uncertain significance for Ataxia-telangiectasia syndrome. Last evaluated: 2018-11-08. Review status: criteria provided, single submitter. Criteria: Invitae Variant Classification Sherloc (09022015). Collection method: clinical testing. Allele origin: germline.
Comment: In summary, the available evidence is currently insufficient to determine the role of this variant in disease. Therefore, it has been classified as a Variant of Uncertain Significance. Algorithms developed to predict the effect of missense changes on protein structure and function (SIFT, PolyPhen-2, Align-GVGD) all suggest that this variant is likely to be disruptive, but these predictions have not been confirmed by published functional studies and their clinical significance is uncertain. This variant has not been reported in the literature in individuals with ATM-related disease. This variant is not present in population databases (ExAC no frequency). This sequence change replaces proline with histidine at codon 2665 of the ATM protein (p.Pro2665His). The proline residue is highly conserved and there is a moderate physicochemical difference between proline and histidine.